The following is an entry in ClinVar:

ClinVar aggregate classification (germline): Uncertain significance. Review status: criteria provided, multiple submitters, no conflicts (2 of 4 stars). 2 submissions from 2 submitters: Uncertain significance (2). Last evaluated 2025-04-13.

Allele frequency attached by ClinVar (database versions not stated): ExAC 0.00001; gnomAD exomes below 0.00001.
gnomAD v4.1: 1 of 1,614,134 alleles (0.000062%); highest among the groups gnomAD compares: Non-Finnish European, 0.000085%; no homozygotes.

Submissions (2):

Ambry Genetics
Classification: Uncertain significance. Last evaluated: 2025-04-13. Review status: criteria provided, single submitter. Criteria: Ambry Variant Classification Scheme 2023. Collection method: clinical testing. Allele origin: germline.

GeneDx
Classification: Uncertain significance. Last evaluated: 2022-02-05. Review status: criteria provided, single submitter. Criteria: GeneDx Variant Classification Process June 2021. Collection method: clinical testing. Allele origin: germline. Affected: yes.
Comment: Not observed at significant frequency in large population cohorts (gnomAD); In silico analysis supports that this missense variant does not alter protein structure/function; Has not been previously published as pathogenic or benign to our knowledge

NM_015375.3(DSTYK):c.971G>A (p.Gly324Asp)

Gene: DSTYK (dual serine/threonine and tyrosine protein kinase; minus strand). Cytogenetic location: 1q32.1.
Variant type: single nucleotide variant.
Coding change: c.971G>A on transcript NM_015375.3 (MANE Select); coding-DNA position 971, G replaced by A.
Protein change: p.Gly324Asp; replaces glycine 324 with aspartic acid.
Molecular consequence: missense variant.
Genome position (GRCh38, 1-based): chr1:205,169,516, C>T on the plus strand (G>A on the coding strand, the complement: DSTYK is on the minus strand). VCF-style: chr1-205169516-C-T. GRCh37 (hg19) VCF-style: chr1-205138644-C-T.
Other names: c.971G>A, p.Gly324Asp (NM_199462.3); short protein forms G324D.
Identifiers: ClinVar variation 1700360 (VCV001700360.3), dbSNP rs765333744, ClinGen allele CA1352929.